The following is an entry in ClinVar:

NM_000542.5(SFTPB):c.48G>A (p.Thr16=)

Gene: SFTPB (surfactant protein B; minus strand). Cytogenetic location: 2p11.2.
Variant type: single nucleotide variant.
Coding change: c.48G>A on transcript NM_000542.5 (MANE Select); coding-DNA position 48, G replaced by A.
Protein change: p.Thr16=; no amino-acid change (threonine 16 retained).
Molecular consequence: synonymous variant.
Genome position (GRCh38, 1-based): chr2:85,668,136, C>T on the plus strand (G>A on the coding strand, the complement: SFTPB is on the minus strand). VCF-style: chr2-85668136-C-T. GRCh37 (hg19) VCF-style: chr2-85895259-C-T.
Other names: c.48G>A, p.Thr16= (NM_001367281.2, NM_198843.4).
Identifiers: ClinVar variation 165207 (VCV000165207.22), dbSNP rs3024793, ClinGen allele CA177949.

ClinVar aggregate classification (germline): Benign. Review status: criteria provided, multiple submitters, no conflicts (2 of 4 stars). 7 submissions from 7 submitters: Benign (7). Last evaluated 2026-01-20.

Conditions:
Hereditary pulmonary alveolar proteinosis. Also called: Pulmonary surfactant metabolism dysfunction. Identifiers: Orphanet 264675, MedGen C3711368, MONDO:0012580.
Surfactant metabolism dysfunction, pulmonary, 1. Also called: INTERSTITIAL LUNG DISEASE DUE TO SURFACTANT PROTEIN B DEFICIENCY; INTERSTITIAL LUNG DISEASE, NONSPECIFIC, DUE TO SURFACTANT PROTEIN B DEFICIENCY; PULMONARY ALVEOLAR PROTEINOSIS, CONGENITAL, 1; Pulmonary surfactant protein B, deficiency of; Neonatal acute respiratory distress due to SP-B deficiency. Identifiers: Orphanet 217563, MedGen C1968602, MONDO:0009929, OMIM 265120.

Allele frequency attached by ClinVar (database versions not stated): gnomAD exomes 0.00234 and 0.00598; ExAC 0.01194; gnomAD 0.02322 and 0.02497; TOPMed 0.02649; 1000 Genomes Project 0.03035; 1000 Genomes Project 30x 0.03154.
gnomAD v4.1: 7,028 of 1,551,208 alleles (0.45%); highest among the groups gnomAD compares: African/African-American, 8.1%; 264 homozygotes.

Submissions (7):

Labcorp Genetics (formerly Invitae), Labcorp
Classification: Benign. Last evaluated: 2026-01-20. Review status: criteria provided, single submitter. Criteria: Invitae Variant Classification Sherloc (09022015). Collection method: clinical testing. Allele origin: germline.

Blueprint Genetics
Classification: Benign. Last evaluated: 2024-11-26. Review status: criteria provided, single submitter. Criteria: ACMG Guidelines, 2015. Collection method: clinical testing. Allele origin: germline.

GeneDx
Classification: Benign. Last evaluated: 2019-03-24. Review status: criteria provided, single submitter. Criteria: GeneDx Variant Classification Process June 2021. Collection method: clinical testing. Allele origin: germline. Affected: yes.

Illumina Laboratory Services, Illumina
Classification: Benign for Surfactant metabolism dysfunction, pulmonary, 1. Last evaluated: 2018-01-13. Review status: criteria provided, single submitter. Criteria: ICSL Variant Classification Criteria 13 December 2019. Collection method: clinical testing. Allele origin: germline.
Comment: This variant was observed in the ICSL laboratory as part of a predisposition screen in an ostensibly healthy population. It had not been previously curated by ICSL or reported in the Human Gene Mutation Database (HGMD: prior to June 1st, 2018), and was therefore a candidate for classification through an automated scoring system. Utilizing variant allele frequency, disease prevalence and penetrance estimates, and inheritance mode, an automated score was calculated to assess if this variant is too frequent to cause the disease. Based on the score and internal cut-off values, a variant classified as benign is not then subjected to further curation. The score for this variant resulted in a classification of benign for this disease.

Ambry Genetics
Classification: Benign for Hereditary pulmonary alveolar proteinosis. Last evaluated: 2016-07-08. Review status: criteria provided, single submitter. Criteria: Ambry Variant Classification Scheme 2023. Collection method: clinical testing. Allele origin: germline.

Laboratory for Molecular Medicine, Mass General Brigham Personalized Medicine
Classification: Benign. Last evaluated: 2013-02-21. Review status: criteria provided, single submitter. Criteria: LMM Criteria. Collection method: clinical testing. Allele origin: germline. Observed: 4 variant alleles.
Comment: Thr28Thr in exon 2 of SFTPB: This variant is not expected to have clinical signi ficance because it does not alter an amino acid residue and is not located withi n the splice consensus sequence. It has been identified in 12.4% (24/194) of Luh ya (Kenyan) chromosomes from a broad population by the 1000 Genomes Project (dbSNP rs3024793).

Breakthrough Genomics
Classification: Benign. Review status: criteria provided, single submitter. Criteria: ACMG Guidelines, 2015. Collection method: not provided. Allele origin: germline. Inheritance: Autosomal recessive inheritance. Affected: yes.